The following is an entry in ClinVar:

ClinVar aggregate classification (germline): Uncertain significance. Review status: criteria provided, multiple submitters, no conflicts (2 of 4 stars). 2 submissions from 2 submitters: Uncertain significance (2). Last evaluated 2025-10-23.

Conditions:
Inborn genetic diseases. Identifiers: MedGen C0950123, MeSH D030342.
DOCK2 deficiency. Also called: Immunodeficiency 40. Identifiers: Orphanet 447737, MedGen C4225328, MONDO:0014637, OMIM 616433.

Allele frequency attached by ClinVar (database versions not stated): ExAC 0.00018; gnomAD 0.00007; 1000 Genomes Project 30x 0.00031; ESP Exome Variant Server 0.00008; TOPMed 0.00009; gnomAD exomes 0.00013; 1000 Genomes Project 0.00020.
gnomAD v4.1: 113 of 1,612,244 alleles (0.007%); highest among the groups gnomAD compares: Non-Finnish European, 0.0086%; 1 homozygote.

Submissions (2):

Ambry Genetics
Classification: Uncertain significance for Inborn genetic diseases. Last evaluated: 2025-10-23. Review status: criteria provided, single submitter. Criteria: Ambry Variant Classification Scheme 2023. Collection method: clinical testing. Allele origin: germline.

Labcorp Genetics (formerly Invitae), Labcorp
Classification: Uncertain significance for DOCK2 deficiency. Last evaluated: 2022-11-01. Review status: criteria provided, single submitter. Criteria: Invitae Variant Classification Sherloc (09022015). Collection method: clinical testing. Allele origin: germline.
Comment: This sequence change replaces alanine, which is neutral and non-polar, with valine, which is neutral and non-polar, at codon 1765 of the DOCK2 protein (p.Ala1765Val). The frequency data for this variant in the population databases is considered unreliable, as metrics indicate poor data quality at this position in the gnomAD database. This variant has not been reported in the literature in individuals affected with DOCK2-related conditions. ClinVar contains an entry for this variant (Variation ID: 847193). Algorithms developed to predict the effect of missense changes on protein structure and function (SIFT, PolyPhen-2, Align-GVGD) all suggest that this variant is likely to be tolerated. In summary, the available evidence is currently insufficient to determine the role of this variant in disease. Therefore, it has been classified as a Variant of Uncertain Significance.

NM_004946.3(DOCK2):c.5294C>T (p.Ala1765Val)

Gene: DOCK2 (dedicator of cytokinesis 2; plus strand). Cytogenetic location: 5q35.1.
Variant type: single nucleotide variant.
Coding change: c.5294C>T on transcript NM_004946.3 (MANE Select); coding-DNA position 5294, C replaced by T.
Protein change: p.Ala1765Val; replaces alanine 1765 with valine.
Molecular consequence: missense variant. On other transcripts: non-coding transcript variant (1).
Genome position (GRCh38, 1-based): chr5:170,081,848, C>T. VCF-style: chr5-170081848-C-T. GRCh37 (hg19) VCF-style: chr5-169508852-C-T.
Other names: short protein forms A1765V.
Identifiers: ClinVar variation 847193 (VCV000847193.9), dbSNP rs141274816, ClinGen allele CA3554846.
Genomic context (GRCh38, chr5:170,081,848, plus strand): 5'-GCACTGCCCCTCCTCTACCCACCCATTCACACCCCAGCTCTGCTCTCCTTCCAGCCCTGG[C>T]GCTCTCAGTGGCAGGCATCCCTGGGTTGGATGAGGCCAACACATCTCCCCGCCTCAGCCA-3'
Protein context (NP_004937.1, residues 1755-1775): SQSMPTIPAL[Ala1765Val]LSVAGIPGLD